The following is an entry in ClinVar:

ClinVar aggregate classification (germline): Likely pathogenic (1 of 4 stars; one submission).

Submission:

Labcorp Genetics (formerly Invitae), Labcorp
Classification: Likely pathogenic. Last evaluated: 2021-11-18. Review status: criteria provided, single submitter. Criteria: Invitae Variant Classification Sherloc (09022015). Collection method: clinical testing. Allele origin: germline.
Comment: In summary, the currently available evidence indicates that the variant is pathogenic, but additional data are needed to prove that conclusively. Therefore, this variant has been classified as Likely Pathogenic. Algorithms developed to predict the effect of sequence changes on RNA splicing suggest that this variant may disrupt the consensus splice site. This variant has not been reported in the literature in individuals affected with ERCC6L2-related conditions. This variant is not present in population databases (gnomAD no frequency). This sequence change affects an acceptor splice site in intron 17 of the ERCC6L2 gene. It is expected to disrupt RNA splicing. Variants that disrupt the donor or acceptor splice site typically lead to a loss of protein function (PMID: 16199547), and loss-of-function variants in ERCC6L2 are known to be pathogenic (PMID: 24507776, 27185855, 29146883, 29987015).

Literature cited by the submitters: PubMed 16199547; PubMed 24507776; PubMed 27185855; PubMed 29146883; PubMed 29987015.

NM_020207.7(ERCC6L2):c.3493-2A>G

Gene: ERCC6L2 (ERCC excision repair 6 like 2; plus strand). Cytogenetic location: 9q22.32.
Variant type: single nucleotide variant.
Coding change: c.3493-2A>G on transcript NM_020207.7 (MANE Select); the canonical splice acceptor site of the intron before coding-DNA position 3493, A replaced by G.
Molecular consequence: splice acceptor variant.
Genome position (GRCh38, 1-based): chr9:96,004,518, A>G. VCF-style: chr9-96004518-A-G. GRCh37 (hg19) VCF-style: chr9-98766800-A-G.
Other names: c.3493-2A>G (NM_001375291.1, NM_001375292.1).
Identifiers: ClinVar variation 1465925 (VCV001465925.6), dbSNP rs2133202969, ClinGen allele CA2573144795.